The following is an entry in ClinVar:

NM_007294.4(BRCA1):c.-70A>G

Genes: BRCA1 (BRCA1 DNA repair associated; minus strand), LOC111589215 (BRCA1 promoter region; plus strand). Cytogenetic location: 17q21.31.
Variant type: single nucleotide variant.
Coding change: c.-70A>G on transcript NM_007294.4 (MANE Select); 70 bases upstream of the start codon, A replaced by G.
Molecular consequence: 5 prime UTR variant. On other transcripts: intron variant (1).
Genome position (GRCh38, 1-based): chr17:43,125,321, T>C on the plus strand (A>G on the coding strand, the complement: BRCA1 is on the minus strand). VCF-style: chr17-43125321-T-C. GRCh37 (hg19) VCF-style: chr17-41277338-T-C.
Other names: c.-242A>G (NM_001408422.1); c.-64A>G (NM_001408423.1, NM_001408430.1, NM_001408435.1 and 50 more transcripts); c.-70A>G (NM_001408424.1, NM_001408425.1, NM_001408431.1 and 45 more transcripts); c.-1225A>G (NM_001408426.1, NM_001408442.1, NM_001407593.1 and 6 more transcripts); c.-57A>G (NM_001408427.1, NM_001408448.1, NM_001408495.1 and 8 more transcripts); c.-159A>G (NM_001408428.1, NM_001408434.1, NM_001408440.1 and 20 more transcripts); c.-604A>G (NM_001408429.1, NM_001408433.1, NM_001408437.1 and 32 more transcripts); c.-51A>G (NM_001408436.1, NM_001407603.1, NM_001407613.1 and 8 more transcripts); and 55 more.
Identifiers: ClinVar variation 3626847 (VCV003626847.2).

ClinVar aggregate classification (germline): Uncertain significance (1 of 4 stars; one submission).

Conditions:
Hereditary breast ovarian cancer syndrome. Also called: Hereditary breast and ovarian cancer; Hereditary breast and ovarian cancer syndrome (HBOC); Hereditary breast and/or ovarian cancer syndrome; Hereditary breast and ovarian cancer syndrome; Breast and ovarian cancer; BRCA1- and BRCA2-Associated Hereditary Breast and Ovarian Cancer. Identifiers: Orphanet 145, MedGen C0677776, MeSH D061325, MONDO:0003582. Disease mechanism: loss of function.

Submission:

Labcorp Genetics (formerly Invitae), Labcorp
Classification: Uncertain significance for Hereditary breast ovarian cancer syndrome. Last evaluated: 2024-01-05. Review status: criteria provided, single submitter. Criteria: Invitae Variant Classification Sherloc (09022015). Collection method: clinical testing. Allele origin: germline.
Comment: This variant occurs in a non-coding region of the BRCA1 gene. It does not change the encoded amino acid sequence of the BRCA1 protein. This variant is present in population databases (no rsID available, gnomAD 0.002%). This variant has not been reported in the literature in individuals affected with BRCA1-related conditions. Studies have shown that this variant is associated with altered splicing resulting in alteration to a non-coding region of the gene (Invitae). In summary, the available evidence is currently insufficient to determine the role of this variant in disease. Therefore, it has been classified as a Variant of Uncertain Significance.